The following is an entry in ClinVar:

ClinVar aggregate classification (germline): Uncertain significance (1 of 4 stars; one submission).

Conditions:
Hypercholesterolemia, autosomal dominant, 3 (FHCL3). Also called: Familial Hypercholesterolemia, Autosomal Dominant, 3; Familial hypercholesterolemia 3; PCSK9-Related Familial Hypercholesterolemia, Autosomal Dominant. Identifiers: MedGen C1863551, MONDO:0011369, OMIM 603776.

gnomAD v4.1: 1 of 1,613,974 alleles (0.000062%); highest among the groups gnomAD compares: Non-Finnish European, 0.000085%; no homozygotes.

Submission:

Labcorp Genetics (formerly Invitae), Labcorp
Classification: Uncertain significance for Hypercholesterolemia, autosomal dominant, 3. Last evaluated: 2024-03-03. Review status: criteria provided, single submitter. Criteria: Invitae Variant Classification Sherloc (09022015). Collection method: clinical testing. Allele origin: germline.
Comment: This sequence change falls in intron 3 of the PCSK9 gene. It does not directly change the encoded amino acid sequence of the PCSK9 protein. This variant is present in population databases (rs759475891, gnomAD 0.0009%). This variant has not been reported in the literature in individuals affected with PCSK9-related conditions. Algorithms developed to predict the effect of sequence changes on RNA splicing suggest that this variant may disrupt the consensus splice site. In summary, the available evidence is currently insufficient to determine the role of this variant in disease. Therefore, it has been classified as a Variant of Uncertain Significance.

NM_174936.4(PCSK9):c.524-6G>A

Gene: PCSK9 (proprotein convertase subtilisin/kexin type 9; plus strand). Cytogenetic location: 1p32.3.
Variant type: single nucleotide variant.
Coding change: c.524-6G>A on transcript NM_174936.4 (MANE Select); 6 bases into the intron before coding-DNA position 524, G replaced by A.
Molecular consequence: intron variant.
Genome position (GRCh38, 1-based): chr1:55,052,272, G>A. VCF-style: chr1-55052272-G-A. GRCh37 (hg19) VCF-style: chr1-55517945-G-A.
Other names: c.149-6G>A (NM_001407246.1); c.647-6G>A (NM_001407240.1); c.524-6G>A (NM_001407242.1, NM_001407241.1, NM_001407244.1 and 1 more transcripts); c.467-6G>A (NM_001407243.1); c.332-6G>A (NM_001407245.1).
Identifiers: ClinVar variation 3706285 (VCV003706285.2).
Genomic context (GRCh38, chr1:55,052,272, plus strand): 5'-GTGTGTTAACTATAAGGTTGACTTTATGCTCATTCCCTCCTCTCCCACAAATGTCGCCTT[G>A]GAAAGACGGAGGCAGCCTGGTGGAGGTGTATCTCCTAGACACCAGCATACAGAGTGACCA-3'